The following is an entry in ClinVar:

NM_003865.3(HESX1):c.218G>A (p.Ser73Asn)

Gene: HESX1 (HESX homeobox 1; minus strand). Cytogenetic location: 3p14.3.
Variant type: single nucleotide variant.
Coding change: c.218G>A on transcript NM_003865.3 (MANE Select); coding-DNA position 218, G replaced by A.
Protein change: p.Ser73Asn; replaces serine 73 with asparagine.
Molecular consequence: missense variant.
Genome position (GRCh38, 1-based): chr3:57,198,892, C>T on the plus strand (G>A on the coding strand, the complement: HESX1 is on the minus strand). VCF-style: chr3-57198892-C-T. GRCh37 (hg19) VCF-style: chr3-57232920-C-T.
Other names: c.218G>A, p.Ser73Asn (NM_001376058.1, NM_001376059.1, NM_001376060.1 and 1 more transcripts); short protein forms S73N.
Identifiers: ClinVar variation 2472923 (VCV002472923.6), dbSNP rs373284490, ClinGen allele CA2463298.

ClinVar aggregate classification (germline): Uncertain significance. Review status: criteria provided, multiple submitters, no conflicts (2 of 4 stars). 2 submissions from 2 submitters: Uncertain significance (2). Last evaluated 2025-09-28.

Conditions:
GROWTH HORMONE DEFICIENCY WITH PITUITARY ANOMALIES. Identifiers: MedGen C2750027, OMIM 182230.
Septo-optic dysplasia sequence (SOD). Also called: DE MORSIER SYNDROME; Septo-optic dysplasia. Identifiers: Orphanet 3157, MedGen C0338503, MONDO:0008428, OMIM 182230, HP:0100842.
Inborn genetic diseases. Identifiers: MedGen C0950123, MeSH D030342.

Allele frequency attached by ClinVar (database versions not stated): gnomAD exomes 0.00001; ExAC 0.00002; ESP Exome Variant Server 0.00023.
gnomAD v4.1: 31 of 1,614,090 alleles (0.0019%); highest among the groups gnomAD compares: African/African-American, 0.039%; no homozygotes.

Submissions (2):

Ambry Genetics
Classification: Uncertain significance for Inborn genetic diseases. Last evaluated: 2025-09-28. Review status: criteria provided, single submitter. Criteria: Ambry Variant Classification Scheme 2023. Collection method: clinical testing. Allele origin: germline.

Labcorp Genetics (formerly Invitae), Labcorp
Classification: Uncertain significance for GROWTH HORMONE DEFICIENCY WITH PITUITARY ANOMALIES; Septo-optic dysplasia sequence. Last evaluated: 2023-02-13. Review status: criteria provided, single submitter. Criteria: Invitae Variant Classification Sherloc (09022015). Collection method: clinical testing. Allele origin: germline.
Comment: This sequence change replaces serine, which is neutral and polar, with asparagine, which is neutral and polar, at codon 73 of the HESX1 protein (p.Ser73Asn). This variant is present in population databases (rs373284490, gnomAD 0.05%). This variant has not been reported in the literature in individuals affected with HESX1-related conditions. Algorithms developed to predict the effect of missense changes on protein structure and function (SIFT, PolyPhen-2, Align-GVGD) all suggest that this variant is likely to be tolerated. In summary, the available evidence is currently insufficient to determine the role of this variant in disease. Therefore, it has been classified as a Variant of Uncertain Significance.